The following is an entry in ClinVar:

ClinVar aggregate classification (germline): Uncertain significance (1 of 4 stars; one submission).

gnomAD v4.1: 11 of 1,613,714 alleles (0.00068%); highest among the groups gnomAD compares: African/African-American, 0.0013%; no homozygotes.

Submission:

Labcorp Genetics (formerly Invitae), Labcorp
Classification: Uncertain significance. Last evaluated: 2026-01-27. Review status: criteria provided, single submitter. Criteria: Invitae Variant Classification Sherloc (09022015). Collection method: clinical testing. Allele origin: germline.
Comment: This sequence change replaces valine, which is neutral and non-polar, with isoleucine, which is neutral and non-polar, at codon 557 of the SLC12A2 protein (p.Val557Ile). This variant is not present in population databases (gnomAD no frequency). This variant has not been reported in the literature in individuals affected with SLC12A2-related conditions. ClinVar contains an entry for this variant (Variation ID: 3621574). Invitae Evidence Modeling of protein sequence and biophysical properties (such as structural, functional, and spatial information, amino acid conservation, physicochemical variation, residue mobility, and thermodynamic stability) indicates that this missense variant is not expected to disrupt SLC12A2 protein function with a negative predictive value of 95%. In summary, the available evidence is currently insufficient to determine the role of this variant in disease. Therefore, it has been classified as a Variant of Uncertain Significance.

NM_001046.3(SLC12A2):c.1669G>A (p.Val557Ile)

Gene: SLC12A2 (solute carrier family 12 member 2; plus strand). Cytogenetic location: 5q23.3.
Variant type: single nucleotide variant.
Coding change: c.1669G>A on transcript NM_001046.3 (MANE Select); coding-DNA position 1669, G replaced by A.
Protein change: p.Val557Ile; replaces valine 557 with isoleucine.
Molecular consequence: missense variant. On other transcripts: non-coding transcript variant (1).
Genome position (GRCh38, 1-based): chr5:128,141,877, G>A. VCF-style: chr5-128141877-G-A. GRCh37 (hg19) VCF-style: chr5-127477569-G-A.
Other names: c.1669G>A, p.Val557Ile (NM_001256461.2); short protein forms V557I.
Identifiers: ClinVar variation 3621574 (VCV003621574.2).